The following is an entry in ClinVar:

ClinVar aggregate classification (germline): Uncertain significance. Review status: criteria provided, multiple submitters, no conflicts (2 of 4 stars). 2 submissions from 2 submitters: Uncertain significance (2). Last evaluated 2025-06-30.

Conditions:
Muscular dystrophy-dystroglycanopathy (congenital with brain and eye anomalies), type a, 8 (MDDGA8). Also called: WALKER-WARBURG SYNDROME OR MUSCLE-EYE-BRAIN DISEASE, GTDC2-RELATED. Identifiers: Orphanet 899, MedGen C3553813, MONDO:0013904, OMIM 614830.

Allele frequency attached by ClinVar (database versions not stated): gnomAD exomes below 0.00001 and 0.00001; ExAC 0.00001; gnomAD 0.00001; TOPMed 0.00001.
gnomAD v4.1: 25 of 1,613,860 alleles (0.0015%); highest among the groups gnomAD compares: Non-Finnish European, 0.0017%; no homozygotes.

Submissions (2):

Labcorp Genetics (formerly Invitae), Labcorp
Classification: Uncertain significance for Muscular dystrophy-dystroglycanopathy (congenital with brain and eye anomalies), type a, 8. Last evaluated: 2025-06-30. Review status: criteria provided, single submitter. Criteria: Invitae Variant Classification Sherloc (09022015). Collection method: clinical testing. Allele origin: germline.
Comment: This sequence change replaces arginine, which is basic and polar, with glutamine, which is neutral and polar, at codon 419 of the POMGNT2 protein (p.Arg419Gln). This variant is present in population databases (rs764678016, gnomAD 0.004%). This variant has not been reported in the literature in individuals affected with POMGNT2-related conditions. ClinVar contains an entry for this variant (Variation ID: 1311549). Invitae Evidence Modeling of protein sequence and biophysical properties (such as structural, functional, and spatial information, amino acid conservation, physicochemical variation, residue mobility, and thermodynamic stability) indicates that this missense variant is not expected to disrupt POMGNT2 protein function with a negative predictive value of 80%. In summary, the available evidence is currently insufficient to determine the role of this variant in disease. Therefore, it has been classified as a Variant of Uncertain Significance.

GeneDx
Classification: Uncertain significance. Last evaluated: 2020-01-03. Review status: criteria provided, single submitter. Criteria: GeneDx Variant Classification Process June 2021. Collection method: clinical testing. Allele origin: germline. Affected: yes.
Comment: Not observed at a significant frequency in large population cohorts (Lek et al., 2016); In silico analysis, which includes protein predictors and evolutionary conservation, supports that this variant does not alter protein structure/function; Has not been previously published as pathogenic or benign to our knowledge

NM_032806.6(POMGNT2):c.1256G>A (p.Arg419Gln)

Gene: POMGNT2 (protein O-linked mannose N-acetylglucosaminyltransferase 2 (beta 1,4-); minus strand). Cytogenetic location: 3p22.1.
Variant type: single nucleotide variant.
Coding change: c.1256G>A on transcript NM_032806.6 (MANE Select); coding-DNA position 1256, G replaced by A.
Protein change: p.Arg419Gln; replaces arginine 419 with glutamine.
Molecular consequence: missense variant.
Genome position (GRCh38, 1-based): chr3:43,080,176, C>T on the plus strand (G>A on the coding strand, the complement: POMGNT2 is on the minus strand). VCF-style: chr3-43080176-C-T. GRCh37 (hg19) VCF-style: chr3-43121668-C-T.
Other names: short protein forms R419Q.
Identifiers: ClinVar variation 1311549 (VCV001311549.8), dbSNP rs764678016, ClinGen allele CA2339893.
Genomic context (GRCh38, chr3:43,080,176, plus strand): 5'-TTCCGGCAACAGAGATGCCGTGGGACCTCACGGCTTTGCAGGATACGGGCTTGCTCAGCC[C>T]GGTCCAGATGGGTGATGCCCCCCTGATCCCAGGGCCGCTCAGGGTGTGTGACTGTGTTCT-3'
Protein context (NP_116195.2, residues 409-429): WDQGGITHLD[Arg419Gln]AEQARILQSR